The following is an entry in ClinVar:

ClinVar aggregate classification (germline): Pathogenic/Likely pathogenic. Review status: criteria provided, multiple submitters, no conflicts (2 of 4 stars). 5 submissions from 5 submitters: Pathogenic (3); Likely pathogenic (1). 1 of the submissions does not count toward it. Last evaluated 2025-02-17.

Conditions:
EDA-related disorder. Also called: EDA-related condition; EDA-related disorders.
Hypohidrotic X-linked ectodermal dysplasia (XHED). Also called: ECTODERMAL DYSPLASIA, HYPOHIDROTIC, 1; CST SYNDROME; Christ-Siemans-Touraine syndrome; ECTODERMAL DYSPLASIA 1; Ectodermal Dysplasia 1, Anhidrotic; ECTODERMAL DYSPLASIA 1, HYPOHIDROTIC, X-LINKED. Identifiers: Orphanet 181, Orphanet 238468, MedGen C0162359, MONDO:0010585, OMIM 305100.
Tooth agenesis, selective, X-linked, 1 (STHAGX1). Also called: HYPODONTIA/OLIGODONTIA, X-LINKED, 1. Identifiers: Orphanet 99798, MedGen C1970757, MONDO:0010741, OMIM 313500. Disease mechanism: loss of function.

Submissions (5):

Labcorp Genetics (formerly Invitae), Labcorp
Classification: Pathogenic for Hypohidrotic X-linked ectodermal dysplasia. Last evaluated: 2025-02-17. Review status: criteria provided, single submitter. Criteria: Invitae Variant Classification Sherloc (09022015). Collection method: clinical testing. Allele origin: germline.
Comment: This sequence change replaces glycine, which is neutral and non-polar, with serine, which is neutral and polar, at codon 299 of the EDA protein (p.Gly299Ser). This variant is not present in population databases (gnomAD no frequency). This missense change has been observed in individual(s) with ectodermal dysplasia (PMID: 9683615, 30117778, 38129747). ClinVar contains an entry for this variant (Variation ID: 44213). Invitae Evidence Modeling of protein sequence and biophysical properties (such as structural, functional, and spatial information, amino acid conservation, physicochemical variation, residue mobility, and thermodynamic stability) has been performed for this missense variant. However, the output from this modeling did not meet the statistical confidence thresholds required to predict the impact of this variant on EDA protein function. This variant disrupts the p.Gly299 amino acid residue in EDA. Other variant(s) that disrupt this residue have been observed in individuals with EDA-related conditions (PMID: 20236127, 21357618, 26273176, 26345974), which suggests that this may be a clinically significant amino acid residue. For these reasons, this variant has been classified as Pathogenic.

GeneDx
Classification: Pathogenic. Last evaluated: 2021-11-05. Review status: criteria provided, single submitter. Criteria: GeneDx Variant Classification Process June 2021. Collection method: clinical testing. Allele origin: germline. Affected: yes.
Comment: Not observed at significant frequency in large population cohorts (Lek et al., 2016); Missense variants in this gene are often considered pathogenic (Stenson et al., 2014); In silico analysis supports that this missense variant has a deleterious effect on protein structure/function; This variant is associated with the following publications: (PMID: 9736768, 14656435, 30117778, 11378824, 25333067, 9683615, 20979233)

Blueprint Genetics
Classification: Pathogenic for EDA-related disorders. Last evaluated: 2019-03-19. Review status: criteria provided, single submitter. Criteria: ACMG Guidelines, 2015. Collection method: clinical testing. Allele origin: germline. Affected: yes. Observed: 1 variant allele.

Juno Genomics, Hangzhou Juno Genomics, Inc
Classification: Likely pathogenic for Hypohidrotic X-linked ectodermal dysplasia; Tooth agenesis, selective, X-linked, 1. Review status: criteria provided, single submitter. Criteria: ACMG Guidelines, 2015. Collection method: clinical testing. Allele origin: germline. Affected: yes.
Comment: Absent from controls (or at extremely low frequency if recessive) in Genome Aggregation Database, Exome Sequencing Project, 1000 Genomes Project, or Exome Aggregation Consortium.;The prevalence of the variant in affected individuals is significantly increased compared to the prevalence in controls.;Assumed de novo, but without confirmation of paternity and maternity.;Multiple lines of computational evidence support a deleterious effect on the gene or gene product (conservation, evolutionary, splicing impact, etc).;Patient's phenotype or family history is highly specific for a disease with a single genetic etiology.

Laboratory for Molecular Medicine, Mass General Brigham Personalized Medicine
Classification: Likely pathogenic for Hypohidrotic X-linked ectodermal dysplasia. Last evaluated: 2011-07-26. Review status: no assertion criteria provided. Collection method: clinical testing. Allele origin: germline. Inheritance: X-linked inheritance. Observed: 2 variant alleles. Not counted in ClinVar's aggregate classification.
Comment: The Gly299Ser variant in EDA has been reported in 3 individuals with X-linked hy pohidrotic ectodermal dysplasia and was absent in 135 control chromosomes (Bayes 1998, Monreal 1998). In addition, based on the crystal structure this variant i s predicted to affect the overall structure of EDA (Hymowitz 2003). Furthermore, this residue is conserved across species and computational analyses (PolyPhen2, SIFT, AlignGVGD) suggest that the Gly299Ser variant may impact the protein. In summary, this variant is likely to be pathogenic.

Literature cited by the submitters: PubMed 9683615 (cited by Labcorp Genetics (formerly Invitae), Labcorp and Laboratory for Molecular Medicine, Mass General Brigham Personalized Medicine); PubMed 30117778 (cited by Labcorp Genetics (formerly Invitae), Labcorp); PubMed 38129747 (cited by Labcorp Genetics (formerly Invitae), Labcorp); PubMed 20236127 (cited by Labcorp Genetics (formerly Invitae), Labcorp); PubMed 21357618 (cited by Labcorp Genetics (formerly Invitae), Labcorp); PubMed 26273176 (cited by Labcorp Genetics (formerly Invitae), Labcorp); PubMed 26345974 (cited by Labcorp Genetics (formerly Invitae), Labcorp); PubMed 9736768 (cited by Laboratory for Molecular Medicine, Mass General Brigham Personalized Medicine); PubMed 14656435 (cited by Laboratory for Molecular Medicine, Mass General Brigham Personalized Medicine).

NM_001399.5(EDA):c.895G>A (p.Gly299Ser)

Gene: EDA (ectodysplasin A; plus strand). Cytogenetic location: Xq13.1.
Variant type: single nucleotide variant.
Coding change: c.895G>A on transcript NM_001399.5 (MANE Select); coding-DNA position 895, G replaced by A.
Protein change: p.Gly299Ser; replaces glycine 299 with serine.
Molecular consequence: missense variant.
Genome position (GRCh38, 1-based): chrX:70,033,499, G>A. VCF-style: chrX-70033499-G-A. GRCh37 (hg19) VCF-style: chrX-69253349-G-A.
Other names: c.895G>A, p.Gly299Ser (NM_001005609.2); c.886G>A, p.Gly296Ser (NM_001005612.3); short protein forms G299S, G296S.
Identifiers: ClinVar variation 44213 (VCV000044213.15), dbSNP rs397516679, ClinGen allele CA261509.